The following is an entry in ClinVar:

NM_015937.6(PIGT):c.1553C>G (p.Pro518Arg)

Gene: PIGT (phosphatidylinositol glycan anchor biosynthesis class T; plus strand). Cytogenetic location: 20q13.12.
Variant type: single nucleotide variant.
Coding change: c.1553C>G on transcript NM_015937.6 (MANE Select); coding-DNA position 1553, C replaced by G.
Protein change: p.Pro518Arg; replaces proline 518 with arginine.
Molecular consequence: missense variant. On other transcripts: non-coding transcript variant (5).
Genome position (GRCh38, 1-based): chr20:45,425,642, C>G. VCF-style: chr20-45425642-C-G. GRCh37 (hg19) VCF-style: chr20-44054282-C-G.
Other names: c.1385C>G, p.Pro462Arg (NM_001184728.3); c.1352C>G, p.Pro451Arg (NM_001184729.3); c.1247C>G, p.Pro416Arg (NM_001184730.3); short protein forms P416R, P451R, P462R, P518R.
Identifiers: ClinVar variation 2431775 (VCV002431775.1), dbSNP rs765005497, ClinGen allele CA409171269.

ClinVar aggregate classification (germline): Uncertain significance (1 of 4 stars; one submission).

Conditions:
Multiple congenital anomalies-hypotonia-seizures syndrome 3 (MCAHS3). Also called: GLYCOSYLPHOSPHATIDYLINOSITOL BIOSYNTHESIS DEFECT 7. Identifiers: Orphanet 369837, MedGen C3809356, MONDO:0014165, OMIM 615398.

Submission:

Laboratorio de Genetica e Diagnostico Molecular, Hospital Israelita Albert Einstein
Classification: Uncertain significance for Multiple congenital anomalies-hypotonia-seizures syndrome 3. Last evaluated: 2023-02-03. Review status: criteria provided, single submitter. Criteria: ACMG Guidelines, 2015. Collection method: clinical testing. Allele origin: germline. Affected: yes. Observed: 1 variant allele.
Comment: ACMG classification criteria: PM2 moderated, PP3 supporting